The following is an entry in ClinVar:

ClinVar aggregate classification (germline): Conflicting classifications of pathogenicity. Review status: criteria provided, conflicting classifications (1 of 4 stars). 3 submissions from 3 submitters: Pathogenic (1); Uncertain significance (2). Last evaluated 2025-05-27.

Conditions:
Glutaric aciduria, type 1. Also called: Glutaric Acidemia Type 1; GA I; Glutaryl-CoA dehydrogenase deficiency; Glutaric acidemia type I; Glutaricaciduria, type I; Glutaricacidemia Type 1. Identifiers: Orphanet 25, MedGen C0268595, MONDO:0009281, OMIM 231670.

Submissions (3):

Women's Health and Genetics/Laboratory Corporation of America, LabCorp
Classification: Uncertain significance. Last evaluated: 2025-05-27. Review status: criteria provided, single submitter. Criteria: LabCorp Variant Classification Summary - May 2015. Collection method: clinical testing. Allele origin: germline.
Comment: Variant summary: GCDH c.215G>T (p.Arg72Leu) results in a non-conservative amino acid change in the encoded protein sequence. Algorithms developed to predict the effect of missense changes on protein structure and function all suggest that this variant is likely to be disruptive. The variant was absent in 251388 control chromosomes. c.215G>T has been observed in the presumed compound heterozygous state in at least 2 individual(s) affected with Glutaric Acidemia Type 1 (example, Mushimoto_2011, internal data). These data indicate that the variant may be associated with disease. To our knowledge, no experimental evidence demonstrating an impact on protein function has been reported. The following publication has been ascertained in the context of this evaluation (PMID: 21176883). ClinVar contains an entry for this variant (Variation ID: 2736813). Based on the evidence outlined above, the variant was classified as VUS-possibly pathogenic.

GeneDx
Classification: Uncertain significance. Last evaluated: 2024-09-16. Review status: criteria provided, single submitter. Criteria: GeneDx Variant Classification Process June 2021. Collection method: clinical testing. Allele origin: germline. Affected: yes.
Comment: Not observed at significant frequency in large population cohorts (gnomAD); In silico analysis supports that this missense variant has a deleterious effect on protein structure/function; This variant is associated with the following publications: (PMID: 37020324, AlAsmari2019[review], 21176883)

Labcorp Genetics (formerly Invitae), Labcorp
Classification: Pathogenic for Glutaric aciduria, type 1. Last evaluated: 2023-12-16. Review status: criteria provided, single submitter. Criteria: Invitae Variant Classification Sherloc (09022015). Collection method: clinical testing. Allele origin: germline.
Comment: This sequence change replaces arginine, which is basic and polar, with leucine, which is neutral and non-polar, at codon 72 of the GCDH protein (p.Arg72Leu). This variant is not present in population databases (gnomAD no frequency). This missense change has been observed in individual(s) with glutaric acidemia (PMID: 21176883; Invitae). In at least one individual the data is consistent with being in trans (on the opposite chromosome) from a pathogenic variant. Advanced modeling of protein sequence and biophysical properties (such as structural, functional, and spatial information, amino acid conservation, physicochemical variation, residue mobility, and thermodynamic stability) has been performed at Invitae for this missense variant, however the output from this modeling did not meet the statistical confidence thresholds required to predict the impact of this variant on GCDH protein function. For these reasons, this variant has been classified as Pathogenic.

Literature cited by the submitters: PubMed 21176883 (cited by Women's Health and Genetics/Laboratory Corporation of America, LabCorp and Labcorp Genetics (formerly Invitae), Labcorp).

NM_000159.4(GCDH):c.215G>T (p.Arg72Leu)

Genes: GCDH (glutaryl-CoA dehydrogenase; plus strand), LOC117125594 (CRISPRi-FlowFISH-validated KLF1 regulatory element; plus strand). Cytogenetic location: 19p13.13.
Variant type: single nucleotide variant.
Coding change: c.215G>T on transcript NM_000159.4 (MANE Select); coding-DNA position 215, G replaced by T.
Protein change: p.Arg72Leu; replaces arginine 72 with leucine.
Molecular consequence: missense variant. On other transcripts: non-coding transcript variant (2).
Genome position (GRCh38, 1-based): chr19:12,891,918, G>T. VCF-style: chr19-12891918-G-T. GRCh37 (hg19) VCF-style: chr19-13002732-G-T.
Other names: c.215G>T, p.Arg72Leu (NM_013976.5); c.215G>T (NM_000159.2); short protein forms R72L.
Identifiers: ClinVar variation 2736813 (VCV002736813.5), dbSNP rs759076157, ClinGen allele CA404315226.